The following is an entry in ClinVar:

NM_024598.4(USB1):c.232C>T (p.Arg78Ter)

Gene: USB1 (U6 snRNA biogenesis phosphodiesterase 1; plus strand). Cytogenetic location: 16q21.
Variant type: single nucleotide variant.
Coding change: c.232C>T on transcript NM_024598.4 (MANE Select); coding-DNA position 232, C replaced by T.
Protein change: p.Arg78Ter; replaces arginine 78 with a stop codon.
Molecular consequence: nonsense.
Genome position (GRCh38, 1-based): chr16:58,002,612, C>T. VCF-style: chr16-58002612-C-T. GRCh37 (hg19) VCF-style: chr16-58036516-C-T.
Other names: c.232C>T, p.Arg78Ter (NM_001195302.2, NM_001204911.2, NM_001330569.2); c.79C>T, p.Arg27Ter (NM_001330568.2); short protein forms R78*, R27*.
Identifiers: ClinVar variation 496751 (VCV000496751.3), dbSNP rs374559185, ClinGen allele CA396128862.

ClinVar aggregate classification (germline): Pathogenic. Review status: criteria provided, single submitter (1 of 4 stars). 2 submissions from 2 submitters: Pathogenic (1). 1 of the submissions does not count toward it. Last evaluated 2026-06-22.

Conditions:
USB1-related disorder. Also called: USB1-related condition.
Poikiloderma with neutropenia (PN). Identifiers: Orphanet 221046, MedGen C1858723, MONDO:0011405, OMIM 604173.

gnomAD v4.1: 15 of 1,613,798 alleles (0.00093%); highest among the groups gnomAD compares: African/African-American, 0.0027%; no homozygotes.

Submissions (2):

PreventionGenetics, part of Exact Sciences
Classification: Pathogenic for USB1-related condition. Last evaluated: 2026-06-22. Review status: criteria provided, single submitter. Criteria: ACMG Guidelines, 2015. Collection method: clinical testing. Allele origin: germline.
Comment: The USB1 c.232C>T variant is predicted to result in premature protein termination (p.Arg78*). This variant was reported in an individual with poikiloderma with neutropaenia (Colombo et al. 2012. PubMed ID: 22269211). This variant is reported in 0.0062% of alleles in individuals of African descent in gnomAD and is present in ClinVar with no interpretation provided (Variation ID: 496751). Nonsense variants in USB1 are expected to be pathogenic. This variant is interpreted as pathogenic.

GeneReviews
No classification provided. Condition: Poikiloderma with neutropenia. Review status: no classification provided. Collection method: literature only. Allele origin: germline. Not counted in ClinVar's aggregate classification.

Literature cited by the submitters: NCBI Bookshelf NBK459118 (cited by GeneReviews); PubMed 29072891 (cited by GeneReviews).